The following is an entry in ClinVar:

ClinVar aggregate classification (germline): Likely benign. Review status: criteria provided, multiple submitters, no conflicts (2 of 4 stars). 4 submissions from 4 submitters: Likely benign (4). Last evaluated 2025-08-11.

Conditions:
Inborn genetic diseases. Identifiers: MedGen C0950123, MeSH D030342.
Intellectual developmental disorder, autosomal dominant 1. Also called: Intellectual disability, autosomal dominant 1; MBD5 Haploinsufficiency. Identifiers: Orphanet 228402, MedGen C1969562, MONDO:0007974, OMIM 156200.

Allele frequency attached by ClinVar (database versions not stated): gnomAD exomes below 0.00001 and 0.00002; gnomAD 0.00001.
gnomAD v4.1: 27 of 1,614,030 alleles (0.0017%); highest among the groups gnomAD compares: Admixed American, 0.0033%; no homozygotes.

Submissions (4):

Labcorp Genetics (formerly Invitae), Labcorp
Classification: Likely benign for Intellectual developmental disorder, autosomal dominant 1. Last evaluated: 2025-08-11. Review status: criteria provided, single submitter. Criteria: Invitae Variant Classification Sherloc (09022015). Collection method: clinical testing. Allele origin: germline.

Ambry Genetics
Classification: Likely benign for Inborn genetic diseases. Last evaluated: 2025-07-15. Review status: criteria provided, single submitter. Criteria: Ambry Variant Classification Scheme 2023. Collection method: clinical testing. Allele origin: germline.

GeneDx
Classification: Likely benign. Last evaluated: 2021-06-09. Review status: criteria provided, single submitter. Criteria: GeneDx Variant Classification Process June 2021. Collection method: clinical testing. Allele origin: germline. Affected: yes.
Comment: This variant is associated with the following publications: (PMID: 27535533)

Genetic Services Laboratory, University of Chicago
Classification: Likely benign. Last evaluated: 2018-03-27. Review status: criteria provided, single submitter. Criteria: ACMG Guidelines, 2015. Collection method: clinical testing. Allele origin: germline. Affected: no.

NM_001378120.1(MBD5):c.4951G>A (p.Glu1651Lys)

Gene: MBD5 (methyl-CpG binding domain protein 5; plus strand). Cytogenetic location: 2q23.1.
Variant type: single nucleotide variant.
Coding change: c.4951G>A on transcript NM_001378120.1 (MANE Select); coding-DNA position 4951, G replaced by A.
Protein change: p.Glu1651Lys; replaces glutamic acid 1651 with lysine.
Molecular consequence: missense variant.
Genome position (GRCh38, 1-based): chr2:148,490,583, G>A. VCF-style: chr2-148490583-G-A. GRCh37 (hg19) VCF-style: chr2-149248152-G-A.
Other names: p.E1418K:GAG>AAG; c.4252G>A, p.Glu1418Lys (NM_018328.5); short protein forms E1418K, E1651K.
Identifiers: ClinVar variation 206108 (VCV000206108.17), dbSNP rs577955398, ClinGen allele CA315872.
Genomic context (GRCh38, chr2:148,490,583, plus strand): 5'-TCCTGGCCTGGAAAATTAGTAAGAGAAGACGACGTTCACAATTCATGTCAACAAAGCCCC[G>A]AGGAAGGGAAGGTATACCAATCTTTATCCATTGTCAAATACTAACCTTTGTTCAGATATC-3'
Protein context (NP_001365049.1, residues 1641-1661): DVHNSCQQSP[Glu1651Lys]EGKVEPEKLK